The following is an entry in ClinVar:

NM_000821.7(GGCX):c.2110C>T (p.Arg704Ter)

Gene: GGCX (gamma-glutamyl carboxylase; minus strand). Cytogenetic location: 2p11.2.
Variant type: single nucleotide variant.
Coding change: c.2110C>T on transcript NM_000821.7 (MANE Select); coding-DNA position 2110, C replaced by T.
Protein change: p.Arg704Ter; replaces arginine 704 with a stop codon.
Molecular consequence: nonsense.
Genome position (GRCh38, 1-based): chr2:85,550,101, G>A on the plus strand (C>T on the coding strand, the complement: GGCX is on the minus strand). VCF-style: chr2-85550101-G-A. GRCh37 (hg19) VCF-style: chr2-85777224-G-A.
Other names: c.1939C>T, p.Arg647Ter (NM_001142269.4); short protein forms R647*, R704*.
Identifiers: ClinVar variation 1450284 (VCV001450284.8), dbSNP rs772336725, ClinGen allele CA1741621.
Genomic context (GRCh38, chr2:85,550,101, plus strand): 5'-TTGCATAAGTCACCTCCTGGGCCAGCTGCTCCAGGGAAGGACGGCCTAATATCAGATTTC[G>A]AAGTGAGATACAAGTCATCAGGAAGCTGAAAAACAGGAAAAAGCCGACCAAGTTCAAACT-3'

ClinVar aggregate classification (germline): Likely pathogenic. Review status: criteria provided, multiple submitters, no conflicts (2 of 4 stars). 3 submissions from 3 submitters: Likely pathogenic (3). Last evaluated 2025-10-19.

Conditions:
GGCX-related disorder. Also called: GGCX-related condition; GGCX - Related Disorders.

Allele frequency attached by ClinVar (database versions not stated): gnomAD exomes 0.00001 and 0.00002; TOPMed 0.00001; ExAC 0.00002; gnomAD 0.00002.
gnomAD v4.1: 23 of 1,613,468 alleles (0.0014%); highest among the groups gnomAD compares: African/African-American, 0.004%; no homozygotes.

Submissions (3):

GeneDx
Classification: Likely pathogenic. Last evaluated: 2025-10-19. Review status: criteria provided, single submitter. Criteria: GeneDx Variant Classification Process June 2021. Collection method: clinical testing. Allele origin: germline. Affected: yes.
Comment: Published functional studies demonstrate that R704X results in impaired vitamin K binding (PMID: 28679738); Not observed at significant frequency in large population cohorts (gnomAD); Nonsense variant predicted to result in protein truncation as the last 55 amino acid(s) are lost; This variant is associated with the following publications: (PMID: 33507293, 34426522, 28125048, 25151188, 28679738, DarghouthD2009[ABSTRACT])

Labcorp Genetics (formerly Invitae), Labcorp
Classification: Likely pathogenic. Last evaluated: 2025-09-21. Review status: criteria provided, single submitter. Criteria: Invitae Variant Classification Sherloc (09022015). Collection method: clinical testing. Allele origin: germline.
Comment: This sequence change creates a premature translational stop signal (p.Arg704*) in the GGCX gene. While this is not anticipated to result in nonsense mediated decay, it is expected to disrupt the last 55 amino acid(s) of the GGCX protein. This variant is present in population databases (rs772336725, gnomAD 0.006%). This premature translational stop signal has been observed in individuals with vitamin K-dependent coagulation factor deficiency (PMID: 25151188, 28125048). ClinVar contains an entry for this variant (Variation ID: 1450284). Algorithms developed to predict the effect of variants on gene product structure and function are not available or were not evaluated for this variant. Experimental studies have shown that this premature translational stop signal affects GGCX function (PMID: 33507293). Algorithms developed to predict the effect of sequence changes on RNA splicing suggest that this variant may disrupt the consensus splice site. In summary, the currently available evidence indicates that the variant is pathogenic, but additional data are needed to prove that conclusively. Therefore, this variant has been classified as Likely Pathogenic.

Blueprint Genetics
Classification: Likely pathogenic for GGCX-related disorders. Last evaluated: 2024-11-05. Review status: criteria provided, single submitter. Criteria: ACMG Guidelines, 2015. Collection method: clinical testing. Allele origin: germline. Affected: yes. Observed: 1 variant allele.

Literature cited by the submitters: PubMed 25151188 (cited by Labcorp Genetics (formerly Invitae), Labcorp); PubMed 28125048 (cited by Labcorp Genetics (formerly Invitae), Labcorp); PubMed 33507293 (cited by Labcorp Genetics (formerly Invitae), Labcorp).